The following is an entry in ClinVar:

ClinVar aggregate classification (germline): Uncertain significance. Review status: criteria provided, multiple submitters, no conflicts (2 of 4 stars). 4 submissions from 4 submitters: Uncertain significance (4). Last evaluated 2026-01-19.

Conditions:
Hereditary cancer-predisposing syndrome. Also called: Hereditary Cancer Syndrome; Neoplastic Syndromes, Hereditary; Tumor predisposition; Hereditary neoplastic syndrome. Identifiers: Orphanet 140162, MedGen C0027672, MeSH D009386, MONDO:0015356.
BAP1-related tumor predisposition syndrome (TPDS1). Also called: Tumor susceptibility linked to germline BAP1 mutations; BAP1 tumor predisposition syndrome; COMMON Syndrome; TUMOR PREDISPOSITION SYNDROME 1. Identifiers: Orphanet 289539, MedGen C3280492, MONDO:0013692, OMIM 614327.

Allele frequency attached by ClinVar (database versions not stated): TOPMed 0.00001.
gnomAD v4.1: 1 of 1,614,070 alleles (0.000062%); no homozygotes.

Submissions (4):

Labcorp Genetics (formerly Invitae), Labcorp
Classification: Uncertain significance for BAP1-related tumor predisposition syndrome. Last evaluated: 2026-01-19. Review status: criteria provided, single submitter. Criteria: Invitae Variant Classification Sherloc (09022015). Collection method: clinical testing. Allele origin: germline.
Comment: This sequence change replaces isoleucine, which is neutral and non-polar, with leucine, which is neutral and non-polar, at codon 586 of the BAP1 protein (p.Ile586Leu). This variant is not present in population databases (gnomAD no frequency). This variant has not been reported in the literature in individuals affected with BAP1-related conditions. ClinVar contains an entry for this variant (Variation ID: 490814). Invitae Evidence Modeling of protein sequence and biophysical properties (such as structural, functional, and spatial information, amino acid conservation, physicochemical variation, residue mobility, and thermodynamic stability) indicates that this missense variant is not expected to disrupt BAP1 protein function with a negative predictive value of 80%. In summary, the available evidence is currently insufficient to determine the role of this variant in disease. Therefore, it has been classified as a Variant of Uncertain Significance.

Color Diagnostics, LLC DBA Color Health
Classification: Uncertain significance for Hereditary cancer-predisposing syndrome. Last evaluated: 2024-03-07. Review status: criteria provided, single submitter. Criteria: ACMG Guidelines, 2015. Collection method: clinical testing. Allele origin: germline.
Comment: This missense variant replaces isoleucine with leucine at codon 586 of the BAP1 protein. Computational prediction suggests that this variant may not impact protein structure and function (internally defined REVEL score threshold <= 0.5, PMID: 27666373). To our knowledge, functional studies have not been reported for this variant. This variant has not been reported in individuals affected with hereditary cancer in the literature. This variant has not been identified in the general population by the Genome Aggregation Database (gnomAD). The available evidence is insufficient to determine the role of this variant in disease conclusively. Therefore, this variant is classified as a Variant of Uncertain Significance.

Ambry Genetics
Classification: Uncertain significance for Hereditary cancer-predisposing syndrome. Last evaluated: 2023-10-20. Review status: criteria provided, single submitter. Criteria: Ambry Variant Classification Scheme 2023. Collection method: clinical testing. Allele origin: germline.
Comment: The p.I586L variant (also known as c.1756A>C), located in coding exon 14 of the BAP1 gene, results from an A to C substitution at nucleotide position 1756. The isoleucine at codon 586 is replaced by leucine, an amino acid with highly similar properties. This amino acid position is not well conserved in available vertebrate species. In addition, this alteration is predicted to be tolerated by in silico analysis. Since supporting evidence is limited at this time, the clinical significance of this alteration remains unclear.

Baylor Genetics
Classification: Uncertain significance for BAP1-related tumor predisposition syndrome. Last evaluated: 2023-08-10. Review status: criteria provided, single submitter. Criteria: ACMG Guidelines, 2015. Collection method: clinical testing. Allele origin: unknown.

NM_004656.4(BAP1):c.1756A>C (p.Ile586Leu)

Gene: BAP1 (BRCA1 associated deubiquitinase 1; minus strand). Cytogenetic location: 3p21.1.
Variant type: single nucleotide variant.
Coding change: c.1756A>C on transcript NM_004656.4 (MANE Select); coding-DNA position 1756, A replaced by C.
Protein change: p.Ile586Leu; replaces isoleucine 586 with leucine.
Molecular consequence: missense variant.
Genome position (GRCh38, 1-based): chr3:52,403,272, T>G on the plus strand (A>C on the coding strand, the complement: BAP1 is on the minus strand). VCF-style: chr3-52403272-T-G. GRCh37 (hg19) VCF-style: chr3-52437288-T-G.
Other names: short protein forms I586L.
Identifiers: ClinVar variation 490814 (VCV000490814.16), dbSNP rs1553644740, ClinGen allele CA353099198.